The following is an entry in ClinVar:

NM_000051.4(ATM):c.3872T>C (p.Leu1291Pro)

Gene: ATM (ATM serine/threonine kinase; plus strand). Cytogenetic location: 11q22.3.
Variant type: single nucleotide variant.
Coding change: c.3872T>C on transcript NM_000051.4 (MANE Select); coding-DNA position 3872, T replaced by C.
Protein change: p.Leu1291Pro; replaces leucine 1291 with proline.
Molecular consequence: missense variant.
Genome position (GRCh38, 1-based): chr11:108,284,352, T>C. VCF-style: chr11-108284352-T-C. GRCh37 (hg19) VCF-style: chr11-108155079-T-C.
Other names: c.3872T>C, p.Leu1291Pro (NM_001351834.2); c.3872T>C (NM_000051.3); short protein forms L1291P.
Identifiers: ClinVar variation 584788 (VCV000584788.12), dbSNP rs1555093536, ClinGen allele CA382525372.

ClinVar aggregate classification (germline): Uncertain significance. Review status: criteria provided, multiple submitters, no conflicts (2 of 4 stars). 4 submissions from 4 submitters: Uncertain significance (4). Last evaluated 2025-07-25.

Conditions:
ATM-related cancer predisposition. Also called: ATM-related cancer susceptibility. Identifiers: MedGen CN377759, MONDO:0700270.
Hereditary cancer-predisposing syndrome. Also called: Neoplastic Syndromes, Hereditary; Hereditary Cancer Syndrome; Hereditary neoplastic syndrome; Tumor predisposition. Identifiers: Orphanet 140162, MedGen C0027672, MeSH D009386, MONDO:0015356.
Ataxia-telangiectasia syndrome (AT). Also called: Ataxia-telangiectasia, complementation group D; AT, COMPLEMENTATION GROUP C; Ataxia-telangiectasia, complementation group E; Ataxia telangiectasia (A-T); Cerebello-oculocutaneous telangiectasia; Immunodeficiency with ataxia telangiectasia. Identifiers: Orphanet 100, MedGen C0004135, MONDO:0008840, OMIM 208900.

Submissions (4):

Dasa
Classification: Uncertain significance for ATM-related cancer predisposition. Last evaluated: 2025-07-25. Review status: criteria provided, single submitter. Criteria: DASA Assertion Criteria. Collection method: clinical testing. Allele origin: germline.
Comment: NM_000051.4(ATM):c.3872T>C (p.Leu1291Pro) is a missense variant that results in the substitution of leucine with proline. This variant is absent from population databases. Computational prediction algorithms are consistent with a deleterious effect. The currently available literature and clinical evidence are not sufficient to establish a definitive association between this variant and the reported condition. Therefore, this variant is classified as a variant of uncertain significance.

Ambry Genetics
Classification: Uncertain significance for Hereditary cancer-predisposing syndrome. Last evaluated: 2025-03-13. Review status: criteria provided, single submitter. Criteria: Ambry Variant Classification Scheme 2023. Collection method: clinical testing. Allele origin: germline.
Comment: The p.L1291P variant (also known as c.3872T>C), located in coding exon 25 of the ATM gene, results from a T to C substitution at nucleotide position 3872. The leucine at codon 1291 is replaced by proline, an amino acid with similar properties. This variant was detected once in a cohort of 1663 Brazilian breast cancer patients who underwent hereditary multigene panel testing (Guindalini RSC et al. Sci Rep, 2022 Mar;12:4190). This amino acid position is well conserved in available vertebrate species. In addition, this alteration is predicted to be deleterious by in silico analysis. Based on the available evidence, the clinical significance of this variant remains unclear.

Labcorp Genetics (formerly Invitae), Labcorp
Classification: Uncertain significance for Ataxia-telangiectasia syndrome. Last evaluated: 2023-08-04. Review status: criteria provided, single submitter. Criteria: Invitae Variant Classification Sherloc (09022015). Collection method: clinical testing. Allele origin: germline.
Comment: In summary, the available evidence is currently insufficient to determine the role of this variant in disease. Therefore, it has been classified as a Variant of Uncertain Significance. An algorithm developed to predict the effect of missense changes on protein structure and function (PolyPhen-2) suggests that this variant is likely to be disruptive. ClinVar contains an entry for this variant (Variation ID: 584788). This variant has not been reported in the literature in individuals affected with ATM-related conditions. This variant is not present in population databases (gnomAD no frequency). This sequence change replaces leucine, which is neutral and non-polar, with proline, which is neutral and non-polar, at codon 1291 of the ATM protein (p.Leu1291Pro).

Mendelics
Classification: Uncertain significance for Ataxia-telangiectasia syndrome. Last evaluated: 2018-07-02. Review status: criteria provided, single submitter. Criteria: Mendelics Assertion Criteria 2017. Collection method: clinical testing. Allele origin: unknown.

Literature cited by the submitters: PubMed 35264596 (cited by Ambry Genetics).